The following is an entry in ClinVar:

NM_001270.4(CHD1):c.4496A>T (p.His1499Leu)

Gene: CHD1 (chromodomain helicase DNA binding protein 1; minus strand). Cytogenetic location: 5q15.
Variant type: single nucleotide variant.
Coding change: c.4496A>T on transcript NM_001270.4 (MANE Select); coding-DNA position 4496, A replaced by T.
Protein change: p.His1499Leu; replaces histidine 1499 with leucine.
Molecular consequence: missense variant. On other transcripts: non-coding transcript variant (2).
Genome position (GRCh38, 1-based): chr5:98,860,000, T>A on the plus strand (A>T on the coding strand, the complement: CHD1 is on the minus strand). VCF-style: chr5-98860000-T-A. GRCh37 (hg19) VCF-style: chr5-98195704-T-A.
Other names: c.4760A>T, p.His1587Leu (NM_001364113.3); c.4496A>T, p.His1499Leu (NM_001376194.2); short protein forms H1499L, H1587L.
Identifiers: ClinVar variation 3363669 (VCV003363669.1).

ClinVar aggregate classification (germline): Uncertain significance (1 of 4 stars; one submission).

Submission:

GeneDx
Classification: Uncertain significance. Last evaluated: 2023-11-10. Review status: criteria provided, single submitter. Criteria: GeneDx Variant Classification Process June 2021. Collection method: clinical testing. Allele origin: germline. Affected: yes.
Comment: Not observed at significant frequency in large population cohorts (gnomAD); In silico analysis supports that this missense variant has a deleterious effect on protein structure/function; Has not been previously published as pathogenic or benign to our knowledge